The following is an entry in ClinVar:

ClinVar aggregate classification (germline): Conflicting classifications of pathogenicity. Review status: criteria provided, conflicting classifications (1 of 4 stars). 2 submissions from 2 submitters: Uncertain significance (1); Likely benign (1). Last evaluated 2024-03-27.

Conditions:
Hereditary cancer-predisposing syndrome. Also called: Tumor predisposition; Hereditary neoplastic syndrome; Hereditary Cancer Syndrome; Neoplastic Syndromes, Hereditary. Identifiers: Orphanet 140162, MedGen C0027672, MeSH D009386, MONDO:0015356.
Oligodontia-cancer predisposition syndrome. Also called: TOOTH AGENESIS-COLORECTAL CANCER SYNDROME. Identifiers: Orphanet 300576, MedGen C1837750, MONDO:0012075, OMIM 608615. Disease mechanism: loss of function.

Submissions (2):

Labcorp Genetics (formerly Invitae), Labcorp
Classification: Uncertain significance for Oligodontia-cancer predisposition syndrome. Last evaluated: 2024-03-27. Review status: criteria provided, single submitter. Criteria: Invitae Variant Classification Sherloc (09022015). Collection method: clinical testing. Allele origin: germline.
Comment: This sequence change replaces asparagine, which is neutral and polar, with isoleucine, which is neutral and non-polar, at codon 412 of the AXIN2 protein (p.Asn412Ile). This variant is not present in population databases (gnomAD no frequency). This variant has not been reported in the literature in individuals affected with AXIN2-related conditions. An algorithm developed to predict the effect of missense changes on protein structure and function (PolyPhen-2) suggests that this variant is likely to be tolerated. In summary, the available evidence is currently insufficient to determine the role of this variant in disease. Therefore, it has been classified as a Variant of Uncertain Significance.

Ambry Genetics
Classification: Likely benign for Hereditary cancer-predisposing syndrome. Last evaluated: 2024-01-03. Review status: criteria provided, single submitter. Criteria: Ambry Variant Classification Scheme 2023. Collection method: clinical testing. Allele origin: germline.

NM_004655.4(AXIN2):c.1235A>T (p.Asn412Ile)

Gene: AXIN2 (axin 2; minus strand). Cytogenetic location: 17q24.1.
Variant type: single nucleotide variant.
Coding change: c.1235A>T on transcript NM_004655.4 (MANE Select); coding-DNA position 1235, A replaced by T.
Protein change: p.Asn412Ile; replaces asparagine 412 with isoleucine.
Molecular consequence: missense variant.
Genome position (GRCh38, 1-based): chr17:65,537,801, T>A on the plus strand (A>T on the coding strand, the complement: AXIN2 is on the minus strand). VCF-style: chr17-65537801-T-A. GRCh37 (hg19) VCF-style: chr17-63533919-T-A.
Other names: c.1235A>T, p.Asn412Ile (NM_001363813.1); short protein forms N412I.
Identifiers: ClinVar variation 3224354 (VCV003224354.3), dbSNP rs115931022, ClinGen allele CA400677905.